The following is an entry in ClinVar:

ClinVar aggregate classification (germline): Uncertain significance. Review status: criteria provided, multiple submitters, no conflicts (2 of 4 stars). 3 submissions from 3 submitters: Uncertain significance (3). Last evaluated 2025-01-06.

Conditions:
COG5-congenital disorder of glycosylation. Also called: CONGENITAL DISORDER OF GLYCOSYLATION, TYPE IIi; CDG IIi; COG5-CDG. Identifiers: Orphanet 263487, MedGen C3150876, MONDO:0013325, OMIM 613612.

Allele frequency attached by ClinVar (database versions not stated): gnomAD exomes below 0.00001 and 0.00004; ExAC 0.00001; gnomAD 0.00001 and 0.00002; TOPMed 0.00003; ESP Exome Variant Server 0.00008.
gnomAD v4.1: 66 of 1,612,594 alleles (0.0041%); highest among the groups gnomAD compares: Non-Finnish European, 0.0047%; no homozygotes.

Submissions (3):

Labcorp Genetics (formerly Invitae), Labcorp
Classification: Uncertain significance for COG5-congenital disorder of glycosylation. Last evaluated: 2025-01-06. Review status: criteria provided, single submitter. Criteria: Invitae Variant Classification Sherloc (09022015). Collection method: clinical testing. Allele origin: germline.
Comment: This sequence change replaces arginine, which is basic and polar, with glutamine, which is neutral and polar, at codon 748 of the COG5 protein (p.Arg748Gln). This variant is present in population databases (rs373856634, gnomAD 0.003%). This variant has not been reported in the literature in individuals affected with COG5-related conditions. ClinVar contains an entry for this variant (Variation ID: 1335689). Invitae Evidence Modeling of protein sequence and biophysical properties (such as structural, functional, and spatial information, amino acid conservation, physicochemical variation, residue mobility, and thermodynamic stability) indicates that this missense variant is not expected to disrupt COG5 protein function with a negative predictive value of 80%. In summary, the available evidence is currently insufficient to determine the role of this variant in disease. Therefore, it has been classified as a Variant of Uncertain Significance.

Blueprint Genetics
Classification: Uncertain significance. Last evaluated: 2023-06-29. Review status: criteria provided, single submitter. Criteria: ACMG Guidelines, 2015. Collection method: clinical testing. Allele origin: germline.

CeGaT Center for Human Genetics Tuebingen
Classification: Uncertain significance. Last evaluated: 2021-10-01. Review status: criteria provided, single submitter. Criteria: CeGaT Center For Human Genetics Tuebingen Variant Classification Criteria Version 2. Collection method: clinical testing. Allele origin: germline. Affected: yes. Observed: 1 variant allele.

NM_006348.5(COG5):c.2150G>A (p.Arg717Gln)

Gene: COG5 (component of oligomeric golgi complex 5; minus strand). Cytogenetic location: 7q22.3.
Variant type: single nucleotide variant.
Coding change: c.2150G>A on transcript NM_006348.5 (MANE Select); coding-DNA position 2150, G replaced by A.
Protein change: p.Arg717Gln; replaces arginine 717 with glutamine.
Molecular consequence: missense variant. On other transcripts: intron variant (1).
Genome position (GRCh38, 1-based): chr7:107,230,633, C>T on the plus strand (G>A on the coding strand, the complement: COG5 is on the minus strand). VCF-style: chr7-107230633-C-T. GRCh37 (hg19) VCF-style: chr7-106871078-C-T.
Other names: c.2150G>A, p.Arg717Gln (NM_001161520.2, NM_001379513.1); c.1988G>A, p.Arg663Gln (NM_001379511.1); c.1976G>A, p.Arg659Gln (NM_001379512.1); c.1580G>A, p.Arg527Gln (NM_001379515.1); c.1436G>A, p.Arg479Gln (NM_001379516.1); c.2087G>A, p.Arg696Gln (NM_181733.4); c.1853+17763G>A (NM_001379514.1); short protein forms R479Q, R527Q, R659Q, R663Q, R696Q, R717Q.
Identifiers: ClinVar variation 1335689 (VCV001335689.39), dbSNP rs373856634, ClinGen allele CA4430681.